The following is an entry in ClinVar:

NM_005356.5(LCK):c.265C>G (p.Arg89Gly)

Gene: LCK (LCK proto-oncogene, Src family tyrosine kinase; plus strand). Cytogenetic location: 1p35.2.
Variant type: single nucleotide variant.
Coding change: c.265C>G on transcript NM_005356.5 (MANE Select); coding-DNA position 265, C replaced by G.
Protein change: p.Arg89Gly; replaces arginine 89 with glycine.
Molecular consequence: missense variant.
Genome position (GRCh38, 1-based): chr1:32,275,070, C>G. VCF-style: chr1-32275070-C-G. GRCh37 (hg19) VCF-style: chr1-32740671-C-G.
Other names: c.265C>G, p.Arg89Gly (NM_001042771.3, NM_001330468.2); short protein forms R89G.
Identifiers: ClinVar variation 2085127 (VCV002085127.4), dbSNP rs2521644511, ClinGen allele CA339636716.

ClinVar aggregate classification (germline): Uncertain significance (1 of 4 stars; one submission).

Conditions:
Severe combined immunodeficiency due to LCK deficiency. Also called: Immunodeficiency 22. Identifiers: Orphanet 280142, MedGen C4014233, MONDO:0014334, OMIM 615758.

Allele frequency attached by ClinVar (database versions not stated): gnomAD exomes below 0.00001.
gnomAD v4.1: 1 of 1,612,164 alleles (0.000062%); highest among the groups gnomAD compares: Non-Finnish European, 0.000085%; no homozygotes.

Submission:

Labcorp Genetics (formerly Invitae), Labcorp
Classification: Uncertain significance for Severe combined immunodeficiency due to LCK deficiency. Last evaluated: 2023-12-08. Review status: criteria provided, single submitter. Criteria: Invitae Variant Classification Sherloc (09022015). Collection method: clinical testing. Allele origin: germline.
Comment: This sequence change replaces arginine, which is basic and polar, with glycine, which is neutral and non-polar, at codon 89 of the LCK protein (p.Arg89Gly). This variant is not present in population databases (gnomAD no frequency). This variant has not been reported in the literature in individuals affected with LCK-related conditions. ClinVar contains an entry for this variant (Variation ID: 2085127). An algorithm developed to predict the effect of missense changes on protein structure and function (PolyPhen-2) suggests that this variant is likely to be tolerated. In summary, the available evidence is currently insufficient to determine the role of this variant in disease. Therefore, it has been classified as a Variant of Uncertain Significance.